The following is an entry in ClinVar:

ClinVar aggregate classification (germline): Uncertain significance (1 of 4 stars; one submission).

Conditions:
Cystic fibrosis (CF). Also called: MUCOVISCIDOSIS. Identifiers: Orphanet 586, MedGen C0010674, MONDO:0009061, OMIM 219700. Disease mechanism: loss of function.

Allele frequency attached by ClinVar (database versions not stated): gnomAD exomes below 0.00001.
gnomAD v4.1: 1 of 1,612,934 alleles (0.000062%); highest among the groups gnomAD compares: Non-Finnish European, 0.000085%; no homozygotes.

Submission:

Ambry Genetics
Classification: Uncertain significance for Cystic fibrosis. Last evaluated: 2023-03-24. Review status: criteria provided, single submitter. Criteria: Ambry Variant Classification Scheme 2023. Collection method: clinical testing. Allele origin: germline.
Comment: The p.L850R variant (also known as c.2549T>G), located in coding exon 15 of the CFTR gene, results from a T to G substitution at nucleotide position 2549. The leucine at codon 850 is replaced by arginine, an amino acid with dissimilar properties. This amino acid position is conserved. In addition, this alteration is predicted to be deleterious by in silico analysis. Since supporting evidence is limited at this time, the clinical significance of this alteration remains unclear.

NM_000492.4(CFTR):c.2549T>G (p.Leu850Arg)

Gene: CFTR (CF transmembrane conductance regulator; plus strand). Cytogenetic location: 7q31.2.
Variant type: single nucleotide variant.
Coding change: c.2549T>G on transcript NM_000492.4 (MANE Select); coding-DNA position 2549, T replaced by G.
Protein change: p.Leu850Arg; replaces leucine 850 with arginine.
Molecular consequence: missense variant.
Genome position (GRCh38, 1-based): chr7:117,594,988, T>G. VCF-style: chr7-117594988-T-G. GRCh37 (hg19) VCF-style: chr7-117235042-T-G.
Other names: short protein forms L850R.
Identifiers: ClinVar variation 2567864 (VCV002567864.2), dbSNP rs2485113826, ClinGen allele CA368983939.